The following is an entry in ClinVar:

ClinVar aggregate classification (germline): Uncertain significance (1 of 4 stars; one submission).

Conditions:
Cardiovascular phenotype. Identifiers: MedGen CN230736.

gnomAD v4.1: 3 of 1,550,358 alleles (0.00019%); highest among the groups gnomAD compares: African/African-American, 0.0027%; no homozygotes.

Submission:

Ambry Genetics
Classification: Uncertain significance for Cardiovascular phenotype. Last evaluated: 2024-05-12. Review status: criteria provided, single submitter. Criteria: Ambry Variant Classification Scheme 2023. Collection method: clinical testing. Allele origin: germline.
Comment: The p.P1777S variant (also known as c.5329C>T), located in coding exon 2 of the ZNF469 gene, results from a C to T substitution at nucleotide position 5329. The proline at codon 1777 is replaced by serine, an amino acid with similar properties. This amino acid position is conserved. In addition, this alteration is predicted to be tolerated by in silico analysis. Based on the available evidence, the clinical significance of this variant remains unclear.

NM_001367624.2(ZNF469):c.5413C>T (p.Pro1805Ser)

Gene: ZNF469 (zinc finger protein 469; plus strand). Cytogenetic location: 16q24.2.
Variant type: single nucleotide variant.
Coding change: c.5413C>T on transcript NM_001367624.2 (MANE Select); coding-DNA position 5413, C replaced by T.
Protein change: p.Pro1805Ser; replaces proline 1805 with serine.
Molecular consequence: missense variant.
Genome position (GRCh38, 1-based): chr16:88,432,883, C>T. VCF-style: chr16-88432883-C-T. GRCh37 (hg19) VCF-style: chr16-88499291-C-T.
Other names: NM_001127464.1:c.5329C>T; short protein forms P1805S.
Identifiers: ClinVar variation 3258192 (VCV003258192.1).
Genomic context (GRCh38, chr16:88,432,883, plus strand): 5'-CAGCCCCACCGAGGGGCCCCTGCTCCAGAAGCTTTTGGCAGCCCTGCTGTCCATCTGGCC[C>T]CTGACTTGGCATTTCAGGGTGACGGGGCTCCACCTCTGGATGCCACCTGGCCTTTTGGTG-3'
Protein context (NP_001354553.1, residues 1795-1815): AFGSPAVHLA[Pro1805Ser]DLAFQGDGAP